The following is an entry in ClinVar:

ClinVar aggregate classification (germline): Uncertain significance (1 of 4 stars; one submission).

Conditions:
MC4R-related disorder. Also called: MC4R-related condition.

Submission:

PreventionGenetics, part of Exact Sciences
Classification: Uncertain significance for MC4R-related condition. Last evaluated: 2026-08-19. Review status: criteria provided, single submitter. Criteria: ACMG Guidelines, 2015. Collection method: clinical testing. Allele origin: germline.
Comment: The MC4R c.593T>A variant is predicted to result in the amino acid substitution p.Ile198Asn. To our knowledge, this variant has not been reported in the literature or in a large population database (gnomAD), indicating this variant is rare. At this time, the clinical significance of this variant is uncertain due to the absence of conclusive functional and genetic evidence.

NM_005912.3(MC4R):c.593T>A (p.Ile198Asn)

Gene: MC4R (melanocortin 4 receptor; minus strand). Cytogenetic location: 18q21.32.
Variant type: single nucleotide variant.
Coding change: c.593T>A on transcript NM_005912.3 (MANE Select); coding-DNA position 593, T replaced by A.
Protein change: p.Ile198Asn; replaces isoleucine 198 with asparagine.
Molecular consequence: missense variant.
Genome position (GRCh38, 1-based): chr18:60,371,757, A>T on the plus strand (T>A on the coding strand, the complement: MC4R is on the minus strand). VCF-style: chr18-60371757-A-T. GRCh37 (hg19) VCF-style: chr18-58038990-A-T.
Other names: short protein forms I198N.
Identifiers: ClinVar variation 4991348 (VCV004991348.1).